The following is an entry in ClinVar:

ClinVar aggregate classification (germline): Uncertain significance (1 of 4 stars; one submission).

Submission:

Labcorp Genetics (formerly Invitae), Labcorp
Classification: Uncertain significance. Last evaluated: 2020-07-01. Review status: criteria provided, single submitter. Criteria: Invitae Variant Classification Sherloc (09022015). Collection method: clinical testing. Allele origin: germline.
Comment: In summary, the available evidence is currently insufficient to determine the role of this variant in disease. Therefore, it has been classified as a Variant of Uncertain Significance. Algorithms developed to predict the effect of missense changes on protein structure and function are either unavailable or do not agree on the potential impact of this missense change (SIFT: "Deleterious"; PolyPhen-2: "Probably Damaging"; Align-GVGD: "Class C0"). This variant has not been reported in the literature in individuals with CTNNA1-related conditions. This variant is not present in population databases (ExAC no frequency). This sequence change replaces aspartic acid with histidine at codon 242 of the CTNNA1 protein (p.Asp242His). The aspartic acid residue is highly conserved and there is a moderate physicochemical difference between aspartic acid and histidine.

NM_001903.5(CTNNA1):c.724G>C (p.Asp242His)

Gene: CTNNA1 (catenin alpha 1; plus strand). Cytogenetic location: 5q31.2.
Variant type: single nucleotide variant.
Coding change: c.724G>C on transcript NM_001903.5 (MANE Select); coding-DNA position 724, G replaced by C.
Protein change: p.Asp242His; replaces aspartic acid 242 with histidine.
Molecular consequence: missense variant.
Genome position (GRCh38, 1-based): chr5:138,824,665, G>C. VCF-style: chr5-138824665-G-C. GRCh37 (hg19) VCF-style: chr5-138160354-G-C.
Other names: c.724G>C, p.Asp242His (NM_001290307.3, NM_001323982.2, NM_001323983.1 and 3 more transcripts); c.415G>C, p.Asp139His (NM_001290309.3); c.355G>C, p.Asp119His (NM_001290310.3); short protein forms D119H, D139H, D242H.
Identifiers: ClinVar variation 838728 (VCV000838728.9), dbSNP rs755543443, ClinGen allele CA361129855.